The following is an entry in ClinVar:

NM_000414.4(HSD17B4):c.1239dup (p.Tyr414fs)

Gene: HSD17B4 (hydroxysteroid 17-beta dehydrogenase 4; plus strand). Cytogenetic location: 5q23.1.
Variant type: Duplication.
Coding change: c.1239dup on transcript NM_000414.4 (MANE Select); coding-DNA position 1239, one base duplicated (A; older notation c.1239dupA).
Protein change: p.Tyr414fs; shifts the reading frame from tyrosine 414.
Molecular consequence: frameshift variant. On other transcripts: non-coding transcript variant (2).
Genome position (GRCh38, 1-based): chr5:119,502,070, A duplicated. VCF-style (leftmost placement, unchanged base first): chr5-119502069-T-TA. GRCh37 (hg19) VCF-style: chr5-118837764-T-TA.
Other names: c.1314dup, p.Tyr439fs (NM_001199291.3); c.1185dup, p.Tyr396fs (NM_001199292.2); c.1167dup, p.Tyr390fs (NM_001292027.2); c.819dup, p.Tyr274fs (NM_001292028.2); c.1230dup, p.Tyr411fs (NM_001374497.1); c.1239dup, p.Tyr414fs (NM_001374498.1); c.912dup, p.Tyr305fs (NM_001374499.1); c.798dup, p.Tyr267fs (NM_001374500.1); and 1 more; short protein forms Y267fs, Y274fs, Y277fs, Y305fs, Y390fs, Y396fs, Y411fs, Y414fs.
Identifiers: ClinVar variation 4818339 (VCV004818339.1).

ClinVar aggregate classification (germline): Likely pathogenic (1 of 4 stars; one submission).

Conditions:
Bifunctional peroxisomal enzyme deficiency (DBIF). Also called: DBP DEFICIENCY; PBFE DEFICIENCY; D-bifunctional protein deficiency. Identifiers: Orphanet 300, MedGen C0342870, MONDO:0009855, OMIM 261515. Disease mechanism: loss of function.

Submission:

Natera, Inc.
Classification: Likely pathogenic for Bifunctional peroxisomal enzyme deficiency. Last evaluated: 2024-03-29. Review status: criteria provided, single submitter. Criteria: Natera Variant Classification Schema (03/2026). Collection method: clinical testing. Allele origin: germline.
Comment: The c.1239dupA variant in HSD17B4 is a frameshift variant predicted to shift the reading frame beginning at codon 414 and leads to a stop codon 2 codons downstream. This variant is expected to result in nonsense mediated decay, truncation, or a dysfunctional protein product. This variant is rare in the general population with a frequency below the threshold expected for the associated phenotype(s). Given the available evidence, this variant is classified as Likely Pathogenic.